The following is an entry in ClinVar:

NM_000548.5(TSC2):c.2792A>G (p.Asp931Gly)

Gene: TSC2 (TSC complex subunit 2; plus strand). Cytogenetic location: 16p13.3.
Variant type: single nucleotide variant.
Coding change: c.2792A>G on transcript NM_000548.5 (MANE Select); coding-DNA position 2792, A replaced by G.
Protein change: p.Asp931Gly; replaces aspartic acid 931 with glycine.
Molecular consequence: missense variant.
Genome position (GRCh38, 1-based): chr16:2,076,540, A>G. VCF-style: chr16-2076540-A-G. GRCh37 (hg19) VCF-style: chr16-2126541-A-G.
Other names: c.2792A>G, p.Asp931Gly (NM_001077183.3, NM_001114382.3, NM_001363528.2 and 3 more transcripts); c.2681A>G, p.Asp894Gly (NM_001318827.2); c.2645A>G, p.Asp882Gly (NM_001318829.2); c.2192A>G, p.Asp731Gly (NM_001318831.2); c.2825A>G, p.Asp942Gly (NM_001318832.2); c.2792A>G (NM_000548.3); short protein forms D731G, D882G, D894G, D931G, D942G.
Identifiers: ClinVar variation 1011599 (VCV001011599.9), dbSNP rs2089411255, ClinGen allele CA394280029.

ClinVar aggregate classification (germline): Uncertain significance. Review status: criteria provided, multiple submitters, no conflicts (2 of 4 stars). 2 submissions from 2 submitters: Uncertain significance (2). Last evaluated 2025-02-16.

Conditions:
Tuberous sclerosis 2 (TSC2). Identifiers: Orphanet 805, MedGen C1860707, MONDO:0013199, OMIM 613254.
Hereditary cancer-predisposing syndrome. Also called: Tumor predisposition; Hereditary Cancer Syndrome; Neoplastic Syndromes, Hereditary; Hereditary neoplastic syndrome. Identifiers: Orphanet 140162, MedGen C0027672, MeSH D009386, MONDO:0015356.

Allele frequency attached by ClinVar (database versions not stated): gnomAD exomes below 0.00001.
gnomAD v4.1: 1 of 1,613,198 alleles (0.000062%); highest among the groups gnomAD compares: Non-Finnish European, 0.000085%; no homozygotes.

Submissions (2):

Ambry Genetics
Classification: Uncertain significance for Hereditary cancer-predisposing syndrome. Last evaluated: 2025-02-16. Review status: criteria provided, single submitter. Criteria: Ambry Variant Classification Scheme 2023. Collection method: clinical testing. Allele origin: germline.
Comment: The p.D931G variant (also known as c.2792A>G), located in coding exon 24 of the TSC2 gene, results from an A to G substitution at nucleotide position 2792. The aspartic acid at codon 931 is replaced by glycine, an amino acid with similar properties. This amino acid position is conserved. In addition, the in silico prediction for this alteration is inconclusive. Based on the available evidence, the clinical significance of this variant remains unclear.

Labcorp Genetics (formerly Invitae), Labcorp
Classification: Uncertain significance for Tuberous sclerosis 2. Last evaluated: 2020-03-24. Review status: criteria provided, single submitter. Criteria: Invitae Variant Classification Sherloc (09022015). Collection method: clinical testing. Allele origin: germline.
Comment: In summary, the available evidence is currently insufficient to determine the role of this variant in disease. Therefore, it has been classified as a Variant of Uncertain Significance. Algorithms developed to predict the effect of missense changes on protein structure and function (SIFT, PolyPhen-2, Align-GVGD) all suggest that this variant is likely to be tolerated, but these predictions have not been confirmed by published functional studies and their clinical significance is uncertain. This variant has not been reported in the literature in individuals with TSC2-related conditions. This variant is not present in population databases (ExAC no frequency). This sequence change replaces aspartic acid with glycine at codon 931 of the TSC2 protein (p.Asp931Gly). The aspartic acid residue is moderately conserved and there is a moderate physicochemical difference between aspartic acid and glycine.